The following is an entry in ClinVar:

ClinVar aggregate classification (germline): Pathogenic (1 of 4 stars; one submission).

Conditions:
Duchenne muscular dystrophy (DMD). Also called: Duchenne Muscular Dystrophy (DMD); MUSCULAR DYSTROPHY, PSEUDOHYPERTROPHIC PROGRESSIVE, DUCHENNE TYPE. Identifiers: Orphanet 98896, MedGen C0013264, MONDO:0010679, OMIM 310200.

Submission:

Labcorp Genetics (formerly Invitae), Labcorp
Classification: Pathogenic for Duchenne muscular dystrophy. Last evaluated: 2022-04-26. Review status: criteria provided, single submitter. Criteria: Invitae Variant Classification Sherloc (09022015). Collection method: clinical testing. Allele origin: germline.
Comment: This variant results in a copy number gain of the genomic region encompassing exon(s) 46-52 of the DMD gene. While the exact position of this variant cannot be determined from the data, sub-genic copy number gains are generally in tandem (PMID: 25640679). This variant is predicted to be out-of-frame, and may result in an absent or disrupted protein product. Loss-of-function variants in DMD are known to be pathogenic (PMID: 16770791, 25007885). A similar copy number variant has been observed in individuals with clinical features of DMD-related conditions (PMID: 19937601). For these reasons, this variant has been classified as Pathogenic.

Literature cited by the submitters: PubMed 25640679; PubMed 16770791; PubMed 25007885; PubMed 19937601.

NC_000023.10:g.(?_31745485)_(31950364_?)dup

Gene: DMD (dystrophin; minus strand). Cytogenetic location: Xp21.1.
Variant type: Duplication.
Identifiers: ClinVar variation 2424976 (VCV002424976.5).